The following is an entry in ClinVar:

ClinVar aggregate classification (germline): Likely pathogenic (1 of 4 stars; one submission).

Conditions:
Renal cysts and diabetes syndrome (RCAD). Also called: Familial hypoplastic, glomerulocystic kidney; MATURITY-ONSET DIABETES OF THE YOUNG, TYPE 5. Identifiers: Orphanet 93111, MedGen C0431693, MONDO:0007669, OMIM 137920.

Allele frequency attached by ClinVar (database versions not stated): gnomAD exomes below 0.00001.
gnomAD v4.1: 1 of 1,614,144 alleles (0.000062%); highest among the groups gnomAD compares: Non-Finnish European, 0.000085%; no homozygotes.

Submission:

Institute of Human Genetics, FAU Erlangen, Friedrich-Alexander-Universität Erlangen-Nürnberg
Classification: Likely pathogenic for Renal cysts and diabetes syndrome. Last evaluated: 2019-07-06. Review status: criteria provided, single submitter. Criteria: ACMG Guidelines, 2015. Collection method: literature only. Allele origin: germline. Affected: yes.
Comment: This variant and it's classification has been reported by Vasileiou et al. 2019; DOI:10.1101/576918. The variants has previously been reported in PMID:20378641; PMID:25700310; PMID:20378641; PMID:25536396 as "c.476C->T,p.Pro159Leu; c.476C>T; c.476C>T" with clinical significance Pathogenic. It has been re-classified using InterVar and manual curation as Likely pathogenic based on PM1 PM2 PP3 PP5.

Literature cited by the submitters: PubMed 20378641; PubMed 25700310; PubMed 25536396; DOI 10.1101/576918.

NM_000458.4(HNF1B):c.476C>T (p.Pro159Leu)

Gene: HNF1B (HNF1 homeobox B; minus strand). Cytogenetic location: 17q12.
Variant type: single nucleotide variant.
Coding change: c.476C>T on transcript NM_000458.4 (MANE Select); coding-DNA position 476, C replaced by T.
Protein change: p.Pro159Leu; replaces proline 159 with leucine.
Molecular consequence: missense variant.
Genome position (GRCh38, 1-based): chr17:37,739,508, G>A on the plus strand (C>T on the coding strand, the complement: HNF1B is on the minus strand). VCF-style: chr17-37739508-G-A. GRCh37 (hg19) VCF-style: chr17-36099499-G-A.
Other names: c.476C>T, p.Pro159Leu (NM_001165923.4, NM_001304286.2); short protein forms P159L.
Identifiers: ClinVar variation 635691 (VCV000635691.1), dbSNP rs2511828892, ClinGen allele CA398751311.
Genomic context (GRCh38, chr17:37,739,508, plus strand): 5'-ATCTCTCGTTGCTTTCTGACGTACCAGGTGTACAGAGCGGCACGCTTCTGGGTCTTCATA[G>A]GGGTGCCCTTGTTGAGATGCTGGGAGAGGTGCGACTGGTTCAGGCCGGTGACATCGACCA-3'
Protein context (NP_000449.1, residues 149-169): HLSQHLNKGT[Pro159Leu]MKTQKRAALY